The following is an entry in ClinVar:

ClinVar aggregate classification (germline): Uncertain significance. Review status: criteria provided, multiple submitters, no conflicts (2 of 4 stars). 3 submissions from 3 submitters: Uncertain significance (3). Last evaluated 2025-10-24.

Conditions:
Dyskeratosis congenita, autosomal recessive 5 (DKCB5). Identifiers: MedGen C3554656, MONDO:0014076, OMIM 615190.
Pulmonary fibrosis and/or bone marrow failure, Telomere-related, 3. Also called: PULMONARY FIBROSIS AND/OR BONE MARROW FAILURE SYNDROME, TELOMERE-RELATED, 3. Identifiers: Orphanet 2032, MedGen C4225346, MONDO:0014613, OMIM 616373.
Inborn genetic diseases. Identifiers: MedGen C0950123, MeSH D030342.

Allele frequency attached by ClinVar (database versions not stated): gnomAD exomes 0.00001; gnomAD 0.00003; 1000 Genomes Project 30x 0.00016; 1000 Genomes Project 0.00020; TOPMed 0.00002; ExAC 0.00002.
gnomAD v4.1: 19 of 1,612,040 alleles (0.0012%); highest among the groups gnomAD compares: African/African-American, 0.0093%; no homozygotes.

Submissions (3):

Ambry Genetics
Classification: Uncertain significance for Inborn genetic diseases. Last evaluated: 2025-10-24. Review status: criteria provided, single submitter. Criteria: Ambry Variant Classification Scheme 2023. Collection method: clinical testing. Allele origin: germline.

Johns Hopkins Genomics, Johns Hopkins University
Classification: Uncertain significance for Pulmonary fibrosis and/or bone marrow failure, Telomere-related, 3. Last evaluated: 2024-05-31. Review status: criteria provided, single submitter. Criteria: ACMG Guidelines, 2015. Collection method: clinical testing. Allele origin: germline.
Comment: This RTEL1 missense variant (rs201958360) is rare (<0.1%) in a large population dataset (gnomAD v4.1.0: 19/1612040 total alleles; 0.001%; no homozygotes). It has been reported in ClinVar (Variation ID 2149419), but has not been reported in the literature, to our knowledge. Of two bioinformatics tools queried, one predicts that the substitution would be damaging, while the other predicts that it would be tolerated, and the histidine residue at this position is evolutionarily conserved across some of the species assessed. We consider the clinical significance of c.2945A>G in RTEL1 to be uncertain at this time.

Labcorp Genetics (formerly Invitae), Labcorp
Classification: Uncertain significance for Dyskeratosis congenita, autosomal recessive 5; Pulmonary fibrosis and/or bone marrow failure, Telomere-related, 3. Last evaluated: 2022-05-13. Review status: criteria provided, single submitter. Criteria: Invitae Variant Classification Sherloc (09022015). Collection method: clinical testing. Allele origin: germline.
Comment: This sequence change replaces histidine, which is basic and polar, with arginine, which is basic and polar, at codon 982 of the RTEL1 protein (p.His982Arg). This variant is present in population databases (rs201958360, gnomAD 0.02%). This variant has not been reported in the literature in individuals affected with RTEL1-related conditions. Algorithms developed to predict the effect of missense changes on protein structure and function output the following: SIFT: "Deleterious"; PolyPhen-2: "Benign"; Align-GVGD: "Class C0". The arginine amino acid residue is found in multiple mammalian species, which suggests that this missense change does not adversely affect protein function. In summary, the available evidence is currently insufficient to determine the role of this variant in disease. Therefore, it has been classified as a Variant of Uncertain Significance.

Literature cited by the submitters: PubMed 25848748 (cited by Johns Hopkins Genomics, Johns Hopkins University); PubMed 29344583 (cited by Johns Hopkins Genomics, Johns Hopkins University).

NM_001283009.2(RTEL1):c.2945A>G (p.His982Arg)

Genes: RTEL1 (regulator of telomere elongation helicase 1; plus strand), RTEL1-TNFRSF6B (RTEL1-TNFRSF6B readthrough (NMD candidate); plus strand). Cytogenetic location: 20q13.33.
Variant type: single nucleotide variant.
Coding change: c.2945A>G on transcript NM_001283009.2 (MANE Select); coding-DNA position 2945, A replaced by G.
Protein change: p.His982Arg; replaces histidine 982 with arginine.
Molecular consequence: missense variant. On other transcripts: non-coding transcript variant (1).
Genome position (GRCh38, 1-based): chr20:63,693,236, A>G. VCF-style: chr20-63693236-A-G. GRCh37 (hg19) VCF-style: chr20-62324589-A-G.
Other names: c.2945A>G (NM_001283009.1); c.2276A>G, p.His759Arg (NM_001283010.1); c.2945A>G, p.His982Arg (NM_016434.4); c.3017A>G, p.His1006Arg (NM_032957.5); c.3017A>G (NM_032957.4); short protein forms H1006R, H759R, H982R.
Identifiers: ClinVar variation 2149419 (VCV002149419.3), dbSNP rs201958360, ClinGen allele CA9965667.